The following is an entry in ClinVar:

NC_000005.9:g.(?_130980378)_(131080403_?)del

Gene: FNIP1 (folliculin interacting protein 1; minus strand). Cytogenetic location: 5q31.1.
Variant type: Deletion.
Identifiers: ClinVar variation 3246566 (VCV003246566.1).

ClinVar aggregate classification (germline): Pathogenic (1 of 4 stars; one submission).

Submission:

Labcorp Genetics (formerly Invitae), Labcorp
Classification: Pathogenic. Last evaluated: 2024-01-09. Review status: criteria provided, single submitter. Criteria: Invitae Variant Classification Sherloc (09022015). Collection method: clinical testing. Allele origin: unknown.
Comment: This variant is a gross deletion of the genomic region encompassing exon(s) 2-18 of the FNIP1 gene, which includes the termination codon. This deletion extends beyond the assayed region for this gene and therefore may encompass additional genes. While this deletion is not anticipated to lead to nonsense mediated decay, it is expected to alter mRNA translation or result in a truncated protein product. This variant has not been reported in the literature in individuals affected with FNIP1-related conditions. This variant disrupts a region of the FNIP1 protein in which other variant(s) (Deletion, Exons 9-18) have been determined to be pathogenic (PMID: 32905580). This suggests that this is a clinically significant region of the protein, and that variants that disrupt it are likely to be disease-causing. For these reasons, this variant has been classified as Pathogenic.

Literature cited by the submitters: PubMed 32905580.